The following is an entry in ClinVar:

ClinVar aggregate classification (germline): Uncertain significance. Review status: criteria provided, multiple submitters, no conflicts (2 of 4 stars). 2 submissions from 2 submitters: Uncertain significance (2). Last evaluated 2024-05-31.

Conditions:
Focal segmental glomerulosclerosis 1 (FSGS1). Identifiers: Orphanet 656, MedGen C4551527, MONDO:0011303, OMIM 603278.

Submissions (2):

Fulgent Genetics
Classification: Uncertain significance for Focal segmental glomerulosclerosis 1. Last evaluated: 2024-05-31. Review status: criteria provided, single submitter. Criteria: ACMG Guidelines, 2015. Collection method: clinical testing. Allele origin: germline.

Genetic Services Laboratory, University of Chicago
Classification: Uncertain significance. Last evaluated: 2023-05-10. Review status: criteria provided, single submitter. Criteria: ACMG Guidelines, 2015. Collection method: clinical testing. Allele origin: germline. Affected: no.
Comment: DNA sequence analysis of the ACTN4 gene demonstrated a sequence change, c.1516G>A, in exon 13 that results in an amino acid change, p.Gly506Ser. This sequence change has been described in the gnomAD database in one individual which corresponds to a population frequency of 0.0007% (dbSNP rs753348354). The p.Gly506Ser change affects a moderately conserved amino acid residue located in a domain of the ACTN4 protein that is known to be functional. In-silico pathogenicity prediction tools (SIFT, PolyPhen2, Align GVGD, REVEL) provide contradictory results for the p.Gly506Ser substitution. This sequence change does not appear to have been previously described in individuals with ACTN4-related disorders. Due to insufficient evidences and the lack of functional studies, the clinical significance of the p.Gly506Ser change remains unknown at this time.

NM_004924.6(ACTN4):c.1516G>A (p.Gly506Ser)

Gene: ACTN4 (actinin alpha 4; plus strand). Cytogenetic location: 19q13.2.
Variant type: single nucleotide variant.
Coding change: c.1516G>A on transcript NM_004924.6 (MANE Select); coding-DNA position 1516, G replaced by A.
Protein change: p.Gly506Ser; replaces glycine 506 with serine.
Molecular consequence: missense variant.
Genome position (GRCh38, 1-based): chr19:38,723,687, G>A. VCF-style: chr19-38723687-G-A. GRCh37 (hg19) VCF-style: chr19-39214327-G-A.
Other names: c.1516G>A, p.Gly506Ser (NM_001322033.2, NM_001411143.1); short protein forms G506S.
Identifiers: ClinVar variation 3583811 (VCV003583811.3).
Genomic context (GRCh38, chr19:38,723,687, plus strand): 5'-TACGACTCCCACAATGTCAACACCCGGTGCCAGAAGATCTGTGACCAGTGGGACGCCCTC[G>A]GCTCTCTGACACATAGTCGCAGGGAAGCCCTGGAGGTGAGGAGGGGGTGACATCACCCAC-3'
Protein context (NP_004915.2, residues 496-516): QKICDQWDAL[Gly506Ser]SLTHSRREAL